The following is an entry in ClinVar:

ClinVar aggregate classification (germline): Uncertain significance. Review status: criteria provided, multiple submitters, no conflicts (2 of 4 stars). 3 submissions from 3 submitters: Uncertain significance (3). Last evaluated 2025-07-31.

Conditions:
Autosomal recessive hypophosphatemic bone disease (HHRH). Also called: HYPERCALCIURIC RICKETS; Hypophosphatemic rickets with hypercalciuria. Identifiers: Orphanet 157215, MedGen C1853271, MONDO:0009431, OMIM 241530.

Allele frequency attached by ClinVar (database versions not stated): gnomAD exomes 0.00002; gnomAD 0.00003 and 0.00004; TOPMed 0.00003; ESP Exome Variant Server 0.00008.
gnomAD v4.1: 33 of 1,613,102 alleles (0.002%); highest among the groups gnomAD compares: Non-Finnish European, 0.0028%; no homozygotes.

Submissions (3):

Women's Health and Genetics/Laboratory Corporation of America, LabCorp
Classification: Uncertain significance. Last evaluated: 2025-07-31. Review status: criteria provided, single submitter. Criteria: LabCorp Variant Classification Summary - May 2015. Collection method: clinical testing. Allele origin: germline.
Comment: Variant summary: SLC34A3 c.64G>A (p.Glu22Lys) results in a conservative amino acid change in the encoded protein sequence. Algorithms developed to predict the effect of missense changes on protein structure and function all suggest that this variant is likely to be tolerated. The variant allele was found at a frequency of 2e-05 in 251040 control chromosomes (gnomAD). The available data on variant occurrences in the general population are insufficient to allow any conclusion about variant significance. To our knowledge, no occurrence of c.64G>A in individuals affected with Hereditary Hypophosphatemic Rickets With Hypercalciuria and no experimental evidence demonstrating its impact on protein function have been reported. ClinVar contains an entry for this variant (Variation ID: 1036728). Based on the evidence outlined above, the variant was classified as uncertain significance.

Fulgent Genetics
Classification: Uncertain significance for Autosomal recessive hypophosphatemic bone disease. Last evaluated: 2024-04-08. Review status: criteria provided, single submitter. Criteria: ACMG Guidelines, 2015. Collection method: clinical testing. Allele origin: germline.

Labcorp Genetics (formerly Invitae), Labcorp
Classification: Uncertain significance. Last evaluated: 2022-04-28. Review status: criteria provided, single submitter. Criteria: Invitae Variant Classification Sherloc (09022015). Collection method: clinical testing. Allele origin: germline.
Comment: This sequence change replaces glutamic acid, which is acidic and polar, with lysine, which is basic and polar, at codon 22 of the SLC34A3 protein (p.Glu22Lys). This variant is present in population databases (rs146559846, gnomAD 0.004%). This variant has not been reported in the literature in individuals affected with SLC34A3-related conditions. ClinVar contains an entry for this variant (Variation ID: 1036728). Algorithms developed to predict the effect of missense changes on protein structure and function (SIFT, PolyPhen-2, Align-GVGD) all suggest that this variant is likely to be tolerated. In summary, the available evidence is currently insufficient to determine the role of this variant in disease. Therefore, it has been classified as a Variant of Uncertain Significance.

NM_001177316.2(SLC34A3):c.64G>A (p.Glu22Lys)

Gene: SLC34A3 (solute carrier family 34 member 3; plus strand). Cytogenetic location: 9q34.3.
Variant type: single nucleotide variant.
Coding change: c.64G>A on transcript NM_001177316.2 (MANE Select); coding-DNA position 64, G replaced by A.
Protein change: p.Glu22Lys; replaces glutamic acid 22 with lysine.
Molecular consequence: missense variant.
Genome position (GRCh38, 1-based): chr9:137,231,766, G>A. VCF-style: chr9-137231766-G-A. GRCh37 (hg19) VCF-style: chr9-140126218-G-A.
Other names: c.64G>A, p.Glu22Lys (NM_001177317.2, NM_080877.3); c.64G>A (NM_080877.2); short protein forms E22K.
Identifiers: ClinVar variation 1036728 (VCV001036728.9), dbSNP rs146559846, ClinGen allele CA201692409.
Genomic context (GRCh38, chr9:137,231,766, plus strand): 5'-CCGAGTTCCCTTCCCGGCAGCCAGGTCCCCCACCCCACTCTGGACGCGGTTGACCTAGTG[G>A]AAAAGACTCTGAGGAATGAAGGTACCAGTGGCCCCTGTGCCCCAGGCCTTCACCAGTCTG-3'
Protein context (NP_001170787.2, residues 12-32): HPTLDAVDLV[Glu22Lys]KTLRNEGTSS